The following is an entry in ClinVar:

ClinVar aggregate classification (germline): Uncertain significance (1 of 4 stars; one submission).

Submission:

Center for Pediatric Genomic Medicine, Children's Mercy Hospital and Clinics
Classification: Uncertain significance. Last evaluated: 2017-01-02. Review status: criteria provided, single submitter. Criteria: ACMG Guidelines, 2015. Collection method: clinical testing. Allele origin: germline.
ClinVar note: Converted during submission from Uncertain Significance to Uncertain significance.

NC_012920.1(MT-ATP6):m.8781C>A

Gene: MT-ATP6 (mitochondrially encoded ATP synthase 6; plus strand).
Variant type: single nucleotide variant.
Genome position: chrM-8781-C-A.
Identifiers: ClinVar variation 376869 (VCV000376869.3), dbSNP rs369034118, ClinGen allele CA16603193.